The following is an entry in ClinVar:

ClinVar aggregate classification (germline): Uncertain significance (1 of 4 stars; one submission).

Allele frequency attached by ClinVar (database versions not stated): gnomAD 0.00001; TOPMed 0.00001; gnomAD exomes below 0.00001.
gnomAD v4.1: 8 of 1,604,834 alleles (0.0005%); highest among the groups gnomAD compares: Non-Finnish European, 0.00068%; no homozygotes.

Submission:

GeneDx
Classification: Uncertain significance. Last evaluated: 2020-02-11. Review status: criteria provided, single submitter. Criteria: GeneDx Variant Classification Process June 2021. Collection method: clinical testing. Allele origin: germline. Affected: yes.
Comment: Has not been previously published as pathogenic or benign to our knowledge; Not observed at a significant frequency in large population cohorts (Lek et al., 2016); In silico analysis supports a deleterious effect on splicing

NM_006907.4(PYCR1):c.319-3C>G

Gene: PYCR1 (pyrroline-5-carboxylate reductase 1; minus strand). Cytogenetic location: 17q25.3.
Variant type: single nucleotide variant.
Coding change: c.319-3C>G on transcript NM_006907.4 (MANE Select); 3 bases into the intron before coding-DNA position 319, C replaced by G.
Molecular consequence: intron variant.
Genome position (GRCh38, 1-based): chr17:81,935,150, G>C on the plus strand (C>G on the coding strand, the complement: PYCR1 is on the minus strand). VCF-style: chr17-81935150-G-C. GRCh37 (hg19) VCF-style: chr17-79893026-G-C.
Other names: c.319-3C>G (NM_001282279.2, NM_001330523.2, NM_001282280.2 and 1 more transcripts); c.400-3C>G (NM_001282281.2).
Identifiers: ClinVar variation 1315436 (VCV001315436.2), dbSNP rs1406081130, ClinGen allele CA628024689.
Genomic context (GRCh38, chr17:81,935,150, plus strand): 5'-CTGGAGTGTTGGTCATGCAGCGGATGACCCTGGGGGCTGGCCGAAACGCTGACAGCTTCT[G>C]GAAGAGAAACCAGCGTGTCCGTCTGGCCATGGACGCAGTGCCTAGATGCACTCACCCCAC-3'